The following is an entry in ClinVar:

ClinVar aggregate classification (germline): Uncertain significance (1 of 4 stars; one submission).

Submission:

GeneDx
Classification: Uncertain significance. Last evaluated: 2026-01-30. Review status: criteria provided, single submitter. Criteria: GeneDx Variant Classification Process June 2021. Collection method: clinical testing. Allele origin: germline.
Comment: Not observed at significant frequency in large population cohorts (gnomAD); In silico analysis supports that this missense variant has a deleterious effect on protein structure/function; Has not been previously published as pathogenic or benign to our knowledge

NM_001378183.1(PIEZO2):c.7174C>A (p.Pro2392Thr)

Gene: PIEZO2 (piezo type mechanosensitive ion channel component 2; minus strand). Cytogenetic location: 18p11.22.
Variant type: single nucleotide variant.
Coding change: c.7174C>A on transcript NM_001378183.1 (MANE Select); coding-DNA position 7174, C replaced by A.
Protein change: p.Pro2392Thr; replaces proline 2392 with threonine.
Molecular consequence: missense variant.
Genome position (GRCh38, 1-based): chr18:10,696,090, G>T on the plus strand (C>A on the coding strand, the complement: PIEZO2 is on the minus strand). VCF-style: chr18-10696090-G-T. GRCh37 (hg19) VCF-style: chr18-10696088-G-T.
Other names: c.6910C>A, p.Pro2304Thr (NM_001410871.1); c.6835C>A, p.Pro2279Thr (NM_022068.4); short protein forms P2279T, P2304T, P2392T.
Identifiers: ClinVar variation 3364984 (VCV003364984.2).